The following is an entry in ClinVar:

NM_016169.4(SUFU):c.280G>A (p.Gly94Ser)

Gene: SUFU (SUFU negative regulator of hedgehog signaling; plus strand). Cytogenetic location: 10q24.32.
Variant type: single nucleotide variant.
Coding change: c.280G>A on transcript NM_016169.4 (MANE Select); coding-DNA position 280, G replaced by A.
Protein change: p.Gly94Ser; replaces glycine 94 with serine.
Molecular consequence: missense variant.
Genome position (GRCh38, 1-based): chr10:102,509,266, G>A. VCF-style: chr10-102509266-G-A. GRCh37 (hg19) VCF-style: chr10-104269023-G-A.
Other names: c.280G>A, p.Gly94Ser (NM_001178133.2); short protein forms G94S.
Identifiers: ClinVar variation 1796320 (VCV001796320.7), dbSNP rs2544846165, ClinGen allele CA377889005.

ClinVar aggregate classification (germline): Uncertain significance. Review status: criteria provided, multiple submitters, no conflicts (2 of 4 stars). 3 submissions from 3 submitters: Uncertain significance (3). Last evaluated 2026-03-24.

Conditions:
Gorlin syndrome. Also called: Nevoid Basal Cell Carcinoma Syndrome; Basal cell nevus syndrome. Identifiers: Orphanet 377, MedGen C0004779, MONDO:0007187.
Medulloblastoma (MDB). Also called: Medulloblastoma, somatic; MEDULLOBLASTOMA PREDISPOSITION SYNDROME. Identifiers: Orphanet 616, MedGen C0025149, MeSH D008527, MONDO:0007959, OMIM 155255, HP:0002885.
Hereditary cancer-predisposing syndrome. Also called: Neoplastic Syndromes, Hereditary; Tumor predisposition; Hereditary neoplastic syndrome; Hereditary Cancer Syndrome. Identifiers: Orphanet 140162, MedGen C0027672, MeSH D009386, MONDO:0015356.

gnomAD v4.1: 2 of 1,614,126 alleles (0.00012%); highest among the groups gnomAD compares: Non-Finnish European, 0.00017%; no homozygotes.

Submissions (3):

GeneDx
Classification: Uncertain significance. Last evaluated: 2026-03-24. Review status: criteria provided, single submitter. Criteria: GeneDx Variant Classification Process June 2021. Collection method: clinical testing. Allele origin: germline.
Comment: Not observed at significant frequency in large population cohorts (gnomAD); In silico analysis supports that this missense variant has a deleterious effect on protein structure/function; Has not been previously published as pathogenic or benign to our knowledge; This variant is associated with the following publications: (PMID: 24311597)

Ambry Genetics
Classification: Uncertain significance for Hereditary cancer-predisposing syndrome. Last evaluated: 2025-09-12. Review status: criteria provided, single submitter. Criteria: Ambry Variant Classification Scheme 2023. Collection method: clinical testing. Allele origin: germline.
Comment: The p.G94S variant (also known as c.280G>A), located in coding exon 2 of the SUFU gene, results from a G to A substitution at nucleotide position 280. The glycine at codon 94 is replaced by serine, an amino acid with similar properties. This amino acid position is highly conserved in available vertebrate species. In addition, this alteration is predicted to be deleterious by in silico analysis. Based on the available evidence, the clinical significance of this variant remains unclear.

Labcorp Genetics (formerly Invitae), Labcorp
Classification: Uncertain significance for Gorlin syndrome; Medulloblastoma. Last evaluated: 2023-03-04. Review status: criteria provided, single submitter. Criteria: Invitae Variant Classification Sherloc (09022015). Collection method: clinical testing. Allele origin: germline.
Comment: This sequence change replaces glycine, which is neutral and non-polar, with serine, which is neutral and polar, at codon 94 of the SUFU protein (p.Gly94Ser). In summary, the available evidence is currently insufficient to determine the role of this variant in disease. Therefore, it has been classified as a Variant of Uncertain Significance. Advanced modeling of protein sequence and biophysical properties (such as structural, functional, and spatial information, amino acid conservation, physicochemical variation, residue mobility, and thermodynamic stability) performed at Invitae indicates that this missense variant is expected to disrupt SUFU protein function. ClinVar contains an entry for this variant (Variation ID: 1796320). This variant has not been reported in the literature in individuals affected with SUFU-related conditions. This variant is not present in population databases (gnomAD no frequency).